The following is an entry in ClinVar:

NM_198578.4(LRRK2):c.2348A>G (p.Asp783Gly)

Gene: LRRK2 (leucine rich repeat kinase 2; plus strand). Cytogenetic location: 12q12.
Variant type: single nucleotide variant.
Coding change: c.2348A>G on transcript NM_198578.4 (MANE Select); coding-DNA position 2348, A replaced by G.
Protein change: p.Asp783Gly; replaces aspartic acid 783 with glycine.
Molecular consequence: missense variant.
Genome position (GRCh38, 1-based): chr12:40,283,981, A>G. VCF-style: chr12-40283981-A-G. GRCh37 (hg19) VCF-style: chr12-40677783-A-G.
Other names: short protein forms D783G.
Identifiers: ClinVar variation 1789945 (VCV001789945.2), dbSNP rs1285643530, ClinGen allele CA384406632.

ClinVar aggregate classification (germline): Uncertain significance (1 of 4 stars; one submission).

Conditions:
Inborn genetic diseases. Identifiers: MedGen C0950123, MeSH D030342.

Allele frequency attached by ClinVar (database versions not stated): gnomAD exomes below 0.00001.
gnomAD v4.1: 4 of 1,614,068 alleles (0.00025%); highest among the groups gnomAD compares: Non-Finnish European, 0.00025%; no homozygotes.

Submission:

Ambry Genetics
Classification: Uncertain significance for Inborn genetic diseases. Last evaluated: 2021-11-25. Review status: criteria provided, single submitter. Criteria: Ambry Variant Classification Scheme 2023. Collection method: clinical testing. Allele origin: germline.
Comment: The p.D783G variant (also known as c.2348A>G), located in coding exon 19 of the LRRK2 gene, results from an A to G substitution at nucleotide position 2348. The aspartic acid at codon 783 is replaced by glycine, an amino acid with similar properties. This amino acid position is conserved. In addition, the in silico prediction for this alteration is inconclusive. Since supporting evidence is limited at this time, the clinical significance of this alteration remains unclear.